The following is an entry in ClinVar:

ClinVar aggregate classification (germline): Benign/Likely benign. Review status: criteria provided, multiple submitters, no conflicts (2 of 4 stars). 5 submissions from 5 submitters: Benign (3); Likely benign (2). Last evaluated 2026-03-23.

Conditions:
Inborn genetic diseases. Identifiers: MedGen C0950123, MeSH D030342.
Proline dehydrogenase deficiency (HYRPRO1). Also called: Hyperprolinemia type 1; PROLINE OXIDASE DEFICIENCY. Identifiers: Orphanet 419, MedGen C0268529, MONDO:0009400, OMIM 239500.

Allele frequency attached by ClinVar (database versions not stated): ExAC 0.01135; ESP Exome Variant Server 0.01777; gnomAD exomes 0.01883; gnomAD 0.02924; 1000 Genomes Project 0.02975.

Submissions (5):

Ambry Genetics
Classification: Likely benign for Inborn genetic diseases. Last evaluated: 2026-03-23. Review status: criteria provided, single submitter. Criteria: Ambry Variant Classification Scheme 2023. Collection method: clinical testing. Allele origin: germline.

Labcorp Genetics (formerly Invitae), Labcorp
Classification: Benign for Proline dehydrogenase deficiency. Last evaluated: 2026-02-01. Review status: criteria provided, single submitter. Criteria: Invitae Variant Classification Sherloc (09022015). Collection method: clinical testing. Allele origin: germline.

Blueprint Genetics
Classification: Likely benign. Last evaluated: 2024-11-28. Review status: criteria provided, single submitter. Criteria: ACMG Guidelines, 2015. Collection method: clinical testing. Allele origin: germline.

GeneDx
Classification: Benign. Last evaluated: 2018-11-12. Review status: criteria provided, single submitter. Criteria: GeneDx Variant Classification Process June 2021. Collection method: clinical testing. Allele origin: germline. Affected: yes.
Comment: This variant is associated with the following publications: (PMID: 20524212, 24842239)

Breakthrough Genomics
Classification: Benign. Review status: criteria provided, single submitter. Criteria: ACMG Guidelines, 2015. Collection method: not provided. Allele origin: germline. Inheritance: Autosomal dominant inheritance. Affected: yes.

NM_016335.6(PRODH):c.172G>A (p.Ala58Thr)

Gene: PRODH (proline dehydrogenase 1; minus strand). Cytogenetic location: 22q11.21.
Variant type: single nucleotide variant.
Coding change: c.172G>A on transcript NM_016335.6 (MANE Select); coding-DNA position 172, G replaced by A.
Protein change: p.Ala58Thr; replaces alanine 58 with threonine.
Molecular consequence: missense variant. On other transcripts: intron variant (1).
Genome position (GRCh38, 1-based): chr22:18,936,116, C>T on the plus strand (G>A on the coding strand, the complement: PRODH is on the minus strand). VCF-style: chr22-18936116-C-T. GRCh37 (hg19) VCF-style: chr22-18923629-C-T.
Other names: c.-52+274G>A (NM_001195226.2); short protein forms A58T.
Identifiers: ClinVar variation 459914 (VCV000459914.14), dbSNP rs146648839, ClinGen allele CA10095500.